The following is an entry in ClinVar:

ClinVar aggregate classification (germline): Uncertain significance (1 of 4 stars; one submission).

Conditions:
Hereditary cancer-predisposing syndrome. Also called: Tumor predisposition; Neoplastic Syndromes, Hereditary; Hereditary Cancer Syndrome; Hereditary neoplastic syndrome. Identifiers: Orphanet 140162, MedGen C0027672, MeSH D009386, MONDO:0015356.

Submission:

Ambry Genetics
Classification: Uncertain significance for Hereditary cancer-predisposing syndrome. Last evaluated: 2024-11-28. Review status: criteria provided, single submitter. Criteria: Ambry Variant Classification Scheme 2023. Collection method: clinical testing. Allele origin: germline.
Comment: The p.H520Q variant (also known as c.1560C>A), located in coding exon 14 of the FANCC gene, results from a C to A substitution at nucleotide position 1560. The histidine at codon 520 is replaced by glutamine, an amino acid with highly similar properties. This amino acid position is conserved. In addition, this alteration is predicted to be tolerated by in silico analysis. Based on the available evidence, the clinical significance of this variant remains unclear.

NM_000136.3(FANCC):c.1560C>A (p.His520Gln)

Genes: FANCC (FA complementation group C; minus strand), AOPEP (aminopeptidase O (putative); plus strand). Cytogenetic location: 9q22.32.
Variant type: single nucleotide variant.
Coding change: c.1560C>A on transcript NM_000136.3 (MANE Select); coding-DNA position 1560, C replaced by A.
Protein change: p.His520Gln; replaces histidine 520 with glutamine.
Molecular consequence: missense variant.
Genome position (GRCh38, 1-based): chr9:95,101,824, G>T on the plus strand (C>A on the coding strand, the complement: FANCC is on the minus strand). VCF-style: chr9-95101824-G-T. GRCh37 (hg19) VCF-style: chr9-97864106-G-T.
Other names: c.1560C>A, p.His520Gln (NM_001243743.2); short protein forms H520Q.
Identifiers: ClinVar variation 3512810 (VCV003512810.1).